The following is an entry in ClinVar:

ClinVar aggregate classification (germline): Likely benign (0 of 4 stars; one submission).

Conditions:
BAAT-related disorder. Also called: BAAT-related condition.

Allele frequency attached by ClinVar (database versions not stated): gnomAD exomes 0.00002; gnomAD 0.00003.

Submission:

PreventionGenetics, part of Exact Sciences
Classification: Likely benign for BAAT-related condition. Last evaluated: 2022-09-14. Review status: no assertion criteria provided. Collection method: clinical testing. Allele origin: germline.
Comment: This variant is classified as likely benign based on ACMG/AMP sequence variant interpretation guidelines (Richards et al. 2015 PMID: 25741868, with internal and published modifications).

NM_001701.4(BAAT):c.555C>G (p.Gly185=)

Gene: BAAT (bile acid-CoA:amino acid N-acyltransferase; minus strand). Cytogenetic location: 9q31.1.
Variant type: single nucleotide variant.
Coding change: c.555C>G on transcript NM_001701.4 (MANE Select); coding-DNA position 555, C replaced by G.
Protein change: p.Gly185=; no amino-acid change (glycine 185 retained).
Molecular consequence: synonymous variant.
Genome position (GRCh38, 1-based): chr9:101,368,234, G>C on the plus strand (C>G on the coding strand, the complement: BAAT is on the minus strand). VCF-style: chr9-101368234-G-C. GRCh37 (hg19) VCF-style: chr9-104130516-G-C.
Other names: c.555C>G, p.Gly185= (NM_001127610.2, NM_001374715.1).
Identifiers: ClinVar variation 3054964 (VCV003054964.2), dbSNP rs763807534, ClinGen allele CA5160684.